The following is an entry in ClinVar:

ClinVar aggregate classification (germline): Likely benign (0 of 4 stars; one submission).

Conditions:
ADGRG2-related disorder. Also called: ADGRG2-related condition.

Allele frequency attached by ClinVar (database versions not stated): gnomAD exomes below 0.00001; ExAC 0.00001.
gnomAD v4.1: 2 of 1,200,458 alleles (0.00017%); highest among the groups gnomAD compares: South Asian, 0.0035%; no homozygotes.

Submission:

PreventionGenetics, part of Exact Sciences
Classification: Likely benign for ADGRG2-related condition. Last evaluated: 2019-07-01. Review status: no assertion criteria provided. Collection method: clinical testing. Allele origin: germline.
Comment: This variant is classified as likely benign based on ACMG/AMP sequence variant interpretation guidelines (Richards et al. 2015 PMID: 25741868, with internal and published modifications).

NM_001079858.3(ADGRG2):c.2028C>T (p.Asn676=)

Gene: ADGRG2 (adhesion G protein-coupled receptor G2; minus strand). Cytogenetic location: Xp22.13.
Variant type: single nucleotide variant.
Coding change: c.2028C>T on transcript NM_001079858.3 (MANE Select); coding-DNA position 2028, C replaced by T.
Protein change: p.Asn676=; no amino-acid change (asparagine 676 retained).
Molecular consequence: synonymous variant.
Genome position (GRCh38, 1-based): chrX:19,003,048, G>A on the plus strand (C>T on the coding strand, the complement: ADGRG2 is on the minus strand). VCF-style: chrX-19003048-G-A. GRCh37 (hg19) VCF-style: chrX-19021166-G-A.
Other names: c.1986C>T, p.Asn662= (NM_001079859.3); c.1962C>T, p.Asn654= (NM_001079860.3); c.1980C>T, p.Asn660= (NM_001184833.2); c.2028C>T, p.Asn676= (NM_001184834.2); c.1914C>T, p.Asn638= (NM_001184835.2); c.1956C>T, p.Asn652= (NM_001184836.2); c.1938C>T, p.Asn646= (NM_001184837.2); c.2019C>T, p.Asn673= (NM_005756.4).
Identifiers: ClinVar variation 3042935 (VCV003042935.2), dbSNP rs778837075, ClinGen allele CA10362413.